The following is an entry in ClinVar:

NM_018082.6(POLR3B):c.1877A>T (p.His626Leu)

Gene: POLR3B (RNA polymerase III subunit B; plus strand). Cytogenetic location: 12q23.3.
Variant type: single nucleotide variant.
Coding change: c.1877A>T on transcript NM_018082.6 (MANE Select); coding-DNA position 1877, A replaced by T.
Protein change: p.His626Leu; replaces histidine 626 with leucine.
Molecular consequence: missense variant.
Genome position (GRCh38, 1-based): chr12:106,437,701, A>T. VCF-style: chr12-106437701-A-T. GRCh37 (hg19) VCF-style: chr12-106831479-A-T.
Other names: c.1703A>T, p.His568Leu (NM_001160708.2); short protein forms H626L, H568L.
Identifiers: ClinVar variation 3665916 (VCV003665916.2).

ClinVar aggregate classification (germline): Uncertain significance (1 of 4 stars; one submission).

gnomAD v4.1: 1 of 1,598,012 alleles (0.000063%); highest among the groups gnomAD compares: Non-Finnish European, 0.000086%; no homozygotes.

Submission:

Labcorp Genetics (formerly Invitae), Labcorp
Classification: Uncertain significance. Last evaluated: 2025-03-04. Review status: criteria provided, single submitter. Criteria: Invitae Variant Classification Sherloc (09022015). Collection method: clinical testing. Allele origin: germline.
Comment: This sequence change replaces histidine, which is basic and polar, with leucine, which is neutral and non-polar, at codon 626 of the POLR3B protein (p.His626Leu). This variant is present in population databases (no rsID available, gnomAD 0.007%). This variant has not been reported in the literature in individuals affected with POLR3B-related conditions. Invitae Evidence Modeling of protein sequence and biophysical properties (such as structural, functional, and spatial information, amino acid conservation, physicochemical variation, residue mobility, and thermodynamic stability) indicates that this missense variant is not expected to disrupt POLR3B protein function with a negative predictive value of 80%. In summary, the available evidence is currently insufficient to determine the role of this variant in disease. Therefore, it has been classified as a Variant of Uncertain Significance.